The following is an entry in ClinVar:

NM_001278116.2(L1CAM):c.880A>G (p.Asn294Asp)

Gene: L1CAM (L1 cell adhesion molecule; minus strand). Cytogenetic location: Xq28.
Variant type: single nucleotide variant.
Coding change: c.880A>G on transcript NM_001278116.2 (MANE Select); coding-DNA position 880, A replaced by G.
Protein change: p.Asn294Asp; replaces asparagine 294 with aspartic acid.
Molecular consequence: missense variant.
Genome position (GRCh38, 1-based): chrX:153,870,167, T>C on the plus strand (A>G on the coding strand, the complement: L1CAM is on the minus strand). VCF-style: chrX-153870167-T-C. GRCh37 (hg19) VCF-style: chrX-153135622-T-C.
Other names: c.880A>G, p.Asn294Asp (NM_000425.5, NM_024003.3); c.865A>G, p.Asn289Asp (NM_001143963.2); short protein forms N289D, N294D.
Identifiers: ClinVar variation 4822294 (VCV004822294.4).

ClinVar aggregate classification (germline): Uncertain significance (1 of 4 stars; one submission).

Submission:

CeGaT Center for Human Genetics Tuebingen
Classification: Uncertain significance. Last evaluated: 2023-12-01. Review status: criteria provided, single submitter. Criteria: CeGaT Center For Human Genetics Tuebingen Variant Classification Criteria Version 2. Collection method: clinical testing. Allele origin: germline. Affected: yes. Observed: 1 variant allele.
Comment: L1CAM: PM2